The following is an entry in ClinVar:

NM_000492.4(CFTR):c.1282C>A (p.Leu428Ile)

Genes: CFTR (CF transmembrane conductance regulator; plus strand), CFTR-AS1 (CFTR antisense RNA 1; minus strand). Cytogenetic location: 7q31.2.
Variant type: single nucleotide variant.
Coding change: c.1282C>A on transcript NM_000492.4 (MANE Select); coding-DNA position 1282, C replaced by A.
Protein change: p.Leu428Ile; replaces leucine 428 with isoleucine.
Molecular consequence: missense variant.
Genome position (GRCh38, 1-based): chr7:117,548,713, C>A. VCF-style: chr7-117548713-C-A. GRCh37 (hg19) VCF-style: chr7-117188767-C-A.
Other names: short protein forms L428I.
Identifiers: ClinVar variation 1768218 (VCV001768218.5), dbSNP rs563443356, ClinGen allele CA4450966.

ClinVar aggregate classification (germline): Uncertain significance. Review status: criteria provided, multiple submitters, no conflicts (2 of 4 stars). 2 submissions from 2 submitters: Uncertain significance (2). Last evaluated 2024-12-04.

Conditions:
Cystic fibrosis (CF). Also called: MUCOVISCIDOSIS. Identifiers: Orphanet 586, MedGen C0010674, MONDO:0009061, OMIM 219700. Disease mechanism: loss of function.

Allele frequency attached by ClinVar (database versions not stated): ExAC 0.00001; 1000 Genomes Project 0.00020; gnomAD 0.00001; 1000 Genomes Project 30x 0.00031.

Submissions (2):

Ambry Genetics
Classification: Uncertain significance for Cystic fibrosis. Last evaluated: 2024-12-04. Review status: criteria provided, single submitter. Criteria: Ambry Variant Classification Scheme 2023. Collection method: clinical testing. Allele origin: germline.
Comment: The p.L428I variant (also known as c.1282C>A), located in coding exon 10 of the CFTR gene, results from a C to A substitution at nucleotide position 1282. The leucine at codon 428 is replaced by isoleucine, an amino acid with highly similar properties. This amino acid position is well conserved in available vertebrate species; however, isoleucine is the reference amino acid in other vertebrate species. In addition, this alteration is predicted to be tolerated by in silico analysis. Since supporting evidence is limited at this time, the clinical significance of this alteration remains unclear.

Labcorp Genetics (formerly Invitae), Labcorp
Classification: Uncertain significance for Cystic fibrosis. Last evaluated: 2024-02-22. Review status: criteria provided, single submitter. Criteria: Invitae Variant Classification Sherloc (09022015). Collection method: clinical testing. Allele origin: germline.
Comment: This sequence change replaces leucine, which is neutral and non-polar, with isoleucine, which is neutral and non-polar, at codon 428 of the CFTR protein (p.Leu428Ile). The frequency data for this variant in the population databases is considered unreliable, as metrics indicate poor data quality at this position in the gnomAD database. This variant has not been reported in the literature in individuals affected with CFTR-related conditions. ClinVar contains an entry for this variant (Variation ID: 1768218). Advanced modeling of protein sequence and biophysical properties (such as structural, functional, and spatial information, amino acid conservation, physicochemical variation, residue mobility, and thermodynamic stability) performed at Invitae indicates that this missense variant is not expected to disrupt CFTR protein function with a negative predictive value of 80%. In summary, the available evidence is currently insufficient to determine the role of this variant in disease. Therefore, it has been classified as a Variant of Uncertain Significance.